The following is an entry in ClinVar:

NM_000337.6(SGCD):c.358A>G (p.Lys120Glu)

Gene: SGCD (sarcoglycan delta; plus strand). Cytogenetic location: 5q33.3.
Variant type: single nucleotide variant.
Coding change: c.358A>G on transcript NM_000337.6 (MANE Select); coding-DNA position 358, A replaced by G.
Protein change: p.Lys120Glu; replaces lysine 120 with glutamic acid.
Molecular consequence: missense variant.
Genome position (GRCh38, 1-based): chr5:156,589,294, A>G. VCF-style: chr5-156589294-A-G. GRCh37 (hg19) VCF-style: chr5-156016304-A-G.
Other names: c.355A>G, p.Lys119Glu (NM_001128209.2); c.358A>G, p.Lys120Glu (NM_172244.3); short protein forms K120E, K119E.
Identifiers: ClinVar variation 593968 (VCV000593968.16), dbSNP rs956992133, ClinGen allele CA130623049.

ClinVar aggregate classification (germline): Uncertain significance. Review status: criteria provided, multiple submitters, no conflicts (2 of 4 stars). 6 submissions from 5 submitters: Uncertain significance (6). Last evaluated 2026-01-05.

Conditions:
Inborn genetic diseases. Identifiers: MedGen C0950123, MeSH D030342.
Autosomal recessive limb-girdle muscular dystrophy type 2F (LGMDR6). Also called: MUSCULAR DYSTROPHY, LIMB-GIRDLE, AUTOSOMAL RECESSIVE 6; Muscular dystrophy limb-girdle with delta-sarcoglyan deficiency. Identifiers: Orphanet 219, MedGen C1832525, MONDO:0011028, OMIM 601287. Disease mechanism: Affects gamma-sarcoglycan and also disrupts the integrity of the entire sarcoglycan complex..
Dilated cardiomyopathy 1L (CMD1L). Identifiers: Orphanet 154, MedGen C1847667, MONDO:0011702, OMIM 606685.

Allele frequency attached by ClinVar (database versions not stated): gnomAD exomes below 0.00001; gnomAD 0.00001; TOPMed 0.00002.
gnomAD v4.1: 3 of 1,572,354 alleles (0.00019%); highest among the groups gnomAD compares: Admixed American, 0.0019%; no homozygotes.

Submissions (6):

Labcorp Genetics (formerly Invitae), Labcorp
Classification: Uncertain significance for Autosomal recessive limb-girdle muscular dystrophy type 2F. Last evaluated: 2026-01-05. Review status: criteria provided, single submitter. Criteria: Invitae Variant Classification Sherloc (09022015). Collection method: clinical testing. Allele origin: germline.
Comment: This sequence change replaces lysine, which is basic and polar, with glutamic acid, which is acidic and polar, at codon 120 of the SGCD protein (p.Lys120Glu). This variant is not present in population databases (gnomAD no frequency). This variant has not been reported in the literature in individuals affected with SGCD-related conditions. ClinVar contains an entry for this variant (Variation ID: 593968). Invitae Evidence Modeling of protein sequence and biophysical properties (such as structural, functional, and spatial information, amino acid conservation, physicochemical variation, residue mobility, and thermodynamic stability) indicates that this missense variant is not expected to disrupt SGCD protein function with a negative predictive value of 80%. In summary, the available evidence is currently insufficient to determine the role of this variant in disease. Therefore, it has been classified as a Variant of Uncertain Significance.

Ambry Genetics
Classification: Uncertain significance for Inborn genetic diseases. Last evaluated: 2024-12-04. Review status: criteria provided, single submitter. Criteria: Ambry Variant Classification Scheme 2023. Collection method: clinical testing. Allele origin: germline.

Genome-Nilou Lab
Classification: Uncertain significance for Autosomal recessive limb-girdle muscular dystrophy type 2F. Last evaluated: 2023-02-08. Review status: criteria provided, single submitter. Criteria: ACMG Guidelines, 2015. Collection method: clinical testing. Allele origin: germline.

Genome-Nilou Lab
Classification: Uncertain significance for Dilated cardiomyopathy 1L. Last evaluated: 2023-02-08. Review status: criteria provided, single submitter. Criteria: ACMG Guidelines, 2015. Collection method: clinical testing. Allele origin: germline.

Revvity Omics, Revvity
Classification: Uncertain significance. Last evaluated: 2020-02-12. Review status: criteria provided, single submitter. Criteria: ACMG Guidelines, 2015. Collection method: clinical testing. Allele origin: germline.

Eurofins Ntd Llc (ga)
Classification: Uncertain significance. Last evaluated: 2017-09-07. Review status: criteria provided, single submitter. Criteria: EGL Classification Definitions 2015. Collection method: clinical testing. Allele origin: germline. Observed: 1 variant allele, 1 heterozygote.